The following is an entry in ClinVar:

ClinVar aggregate classification (germline): Uncertain significance. Review status: criteria provided, multiple submitters, no conflicts (2 of 4 stars). 2 submissions from 2 submitters: Uncertain significance (2). Last evaluated 2023-01-28.

Conditions:
Cardiovascular phenotype. Identifiers: MedGen CN230736.
Hypertrophic cardiomyopathy 17. Identifiers: MedGen C3151264, MONDO:0013474, OMIM 613873.

Allele frequency attached by ClinVar (database versions not stated): gnomAD exomes below 0.00001; ESP Exome Variant Server 0.00008.
gnomAD v4.1: 2 of 1,611,170 alleles (0.00012%); highest among the groups gnomAD compares: Non-Finnish European, 0.00017%; no homozygotes.

Submissions (2):

Ambry Genetics
Classification: Uncertain significance for Cardiovascular phenotype. Last evaluated: 2023-01-28. Review status: criteria provided, single submitter. Criteria: Ambry Variant Classification Scheme 2023. Collection method: clinical testing. Allele origin: germline.
Comment: The p.D125N variant (also known as c.373G>A), located in coding exon 1 of the JPH2 gene, results from a G to A substitution at nucleotide position 373. The aspartic acid at codon 125 is replaced by asparagine, an amino acid with highly similar properties. This amino acid position is conserved. In addition, this alteration is predicted to be tolerated by in silico analysis. Since supporting evidence is limited at this time, the clinical significance of this alteration remains unclear.

Victorian Clinical Genetics Services, Murdoch Childrens Research Institute
Classification: Uncertain significance for Hypertrophic cardiomyopathy 17. Last evaluated: 2022-02-02. Review status: criteria provided, single submitter. Criteria: ACMG Guidelines, 2015. Collection method: clinical testing. Allele origin: germline. Inheritance: Autosomal dominant inheritance. Affected: yes.
Comment: Based on the classification scheme VCGS_Germline_v1.3.4, this variant is classified as VUS-3B. Following criteria are met: 0102 - Loss of function is a known mechanism of disease in this gene and is associated with hypertrophic cardiomyopathy 17 (MIM#613873). (I) 0107 - This gene is associated with autosomal dominant disease. (I) 0200 - Variant is predicted to result in a missense amino acid change from aspartic acid to asparagine. (I) 0251 - This variant is heterozygous. (I) 0301 - Variant is absent from gnomAD (both v2 and v3). (SP) 0502 - Missense variant with conflicting in silico predictions and uninformative conservation. (I) 0600 - Variant is located in the annotated MORN 5 repeat (UniProt). (I) 0705 - No comparable missense variants have previous evidence for pathogenicity. (I) 0807 - This variant has no previous evidence of pathogenicity. (I) 0905 - No published segregation evidence has been identified for this variant. (I) 1007 - No published functional evidence has been identified for this variant. (I) 1208 - Inheritance information for this variant is not currently available in this individual. (I) Legend: (SP) - Supporting pathogenic, (I) - Information, (SB) - Supporting benign

NM_020433.5(JPH2):c.373G>A (p.Asp125Asn)

Gene: JPH2 (junctophilin 2; minus strand). Cytogenetic location: 20q13.12.
Variant type: single nucleotide variant.
Coding change: c.373G>A on transcript NM_020433.5 (MANE Select); coding-DNA position 373, G replaced by A.
Protein change: p.Asp125Asn; replaces aspartic acid 125 with asparagine.
Molecular consequence: missense variant.
Genome position (GRCh38, 1-based): chr20:44,186,333, C>T on the plus strand (G>A on the coding strand, the complement: JPH2 is on the minus strand). VCF-style: chr20-44186333-C-T. GRCh37 (hg19) VCF-style: chr20-42814973-C-T.
Other names: c.373G>A, p.Asp125Asn (NM_175913.4); short protein forms D125N.
Identifiers: ClinVar variation 1805259 (VCV001805259.3), dbSNP rs372627882, ClinGen allele CA315352109.